The following is an entry in ClinVar:

NM_000268.4(NF2):c.1667C>T (p.Thr556Ile)

Gene: NF2 (NF2, moesin-ezrin-radixin like (MERLIN) tumor suppressor; plus strand). Cytogenetic location: 22q12.2.
Variant type: single nucleotide variant.
Coding change: c.1667C>T on transcript NM_000268.4 (MANE Select); coding-DNA position 1667, C replaced by T.
Protein change: p.Thr556Ile; replaces threonine 556 with isoleucine.
Molecular consequence: missense variant. On other transcripts: non-coding transcript variant (1), intron variant (1).
Genome position (GRCh38, 1-based): chr22:29,681,531, C>T. VCF-style: chr22-29681531-C-T. GRCh37 (hg19) VCF-style: chr22-30077520-C-T.
Other names: c.1553C>T, p.Thr518Ile (NM_001407053.1, NM_001407056.1); c.1544C>T, p.Thr515Ile (NM_001407054.1, NM_001407058.1, NM_181829.3); c.1541C>T, p.Thr514Ile (NM_001407055.1, NM_181828.3); c.1532C>T, p.Thr511Ile (NM_001407057.1, NM_001407059.1); c.1409C>T, p.Thr470Ile (NM_001407062.1); c.1418C>T, p.Thr473Ile (NM_001407063.1, NM_181830.3, NM_181831.3); c.1133C>T, p.Thr378Ile (NM_001407065.1); c.1667C>T, p.Thr556Ile (NM_001407066.1, NM_016418.5, NM_181825.3 and 1 more transcripts); and 2 more; short protein forms T378I, T470I, T511I, T479I, T473I, T514I, T556I, T515I.
Identifiers: ClinVar variation 1777589 (VCV001777589.5), dbSNP rs766752048, ClinGen allele CA032497.
Genomic context (GRCh38, chr22:29,681,531, plus strand): 5'-AGGAGCAGCTCAATGAACTCAAGACAGAAATCGAGGCCTTGAAACTGAAAGAGAGGGAGA[C>T]AGCTCTGGATATTCTGCACAATGAGAACTCCGACAGGGGTGGCAGCAGCAAGCACAATAC-3'
Protein context (NP_000259.1, residues 546-566): IEALKLKERE[Thr556Ile]ALDILHNENS

ClinVar aggregate classification (germline): Uncertain significance. Review status: criteria provided, multiple submitters, no conflicts (2 of 4 stars). 2 submissions from 2 submitters: Uncertain significance (2). Last evaluated 2026-05-20.

Conditions:
Hereditary cancer-predisposing syndrome. Also called: Neoplastic Syndromes, Hereditary; Tumor predisposition; Hereditary Cancer Syndrome; Hereditary neoplastic syndrome. Identifiers: Orphanet 140162, MedGen C0027672, MeSH D009386, MONDO:0015356.
Familial meningioma. Also called: Meningioma, familial, susceptibility to. Identifiers: Orphanet 263662, MedGen C3551915, MONDO:0011789, OMIM 607174.

Allele frequency attached by ClinVar (database versions not stated): gnomAD 0.00001; TOPMed below 0.00001; ExAC 0.00001; gnomAD exomes below 0.00001.
gnomAD v4.1: 4 of 1,614,072 alleles (0.00025%); highest among the groups gnomAD compares: Non-Finnish European, 0.00034%; no homozygotes.

Submissions (2):

Ambry Genetics
Classification: Uncertain significance for Hereditary cancer-predisposing syndrome. Last evaluated: 2026-05-20. Review status: criteria provided, single submitter. Criteria: Ambry Variant Classification Scheme 2023. Collection method: clinical testing. Allele origin: germline.
Comment: The p.T556I variant (also known as c.1667C>T), located in coding exon 15 of the NF2 gene, results from a C to T substitution at nucleotide position 1667. The threonine at codon 556 is replaced by isoleucine, an amino acid with similar properties. This amino acid position is highly conserved in available vertebrate species. In addition, the in silico prediction for this alteration is inconclusive. Since supporting evidence is limited at this time, the clinical significance of this alteration remains unclear.

Baylor Genetics
Classification: Uncertain significance for Familial meningioma. Last evaluated: 2023-07-12. Review status: criteria provided, single submitter. Criteria: ACMG Guidelines, 2015. Collection method: clinical testing. Allele origin: unknown.